The following is an entry in ClinVar:

ClinVar aggregate classification (germline): Uncertain significance (1 of 4 stars; one submission).

Allele frequency attached by ClinVar (database versions not stated): gnomAD 0.00003; TOPMed 0.00001; gnomAD exomes 0.00001; ExAC 0.00001.

Submission:

GeneDx
Classification: Uncertain significance. Last evaluated: 2017-04-17. Review status: criteria provided, single submitter. Criteria: GeneDx Variant Classification (06012015). Collection method: clinical testing. Allele origin: germline. Affected: yes.
Comment: The C262Y variant has not been publishedas pathogenic or been reported as benign to our knowledge. It is not observed at a significant frequency in largepopulation cohorts (Lek et al., 2016; 1000 Genomes Consortium et al., 2015; Exome Variant Server). The C262Yvariant is a non-conservative amino acid substitution, which is likely to impact secondary protein structure as theseresidues differ in polarity, charge, size and/or other properties. Moreover, this substitution occurs at a position that isconserved across species, and in silico analysis predicts this variant is probably damaging to the proteinstructure/function. Nonetheless, this variant lacks observation in a significant number of affected individuals,segregation data, and functional evidence, all of which would further clarify pathogenicity.

NM_006907.4(PYCR1):c.785G>A (p.Cys262Tyr)

Gene: PYCR1 (pyrroline-5-carboxylate reductase 1; minus strand). Cytogenetic location: 17q25.3.
Variant type: single nucleotide variant.
Coding change: c.785G>A on transcript NM_006907.4 (MANE Select); coding-DNA position 785, G replaced by A.
Protein change: p.Cys262Tyr; replaces cysteine 262 with tyrosine.
Molecular consequence: missense variant. On other transcripts: intron variant (1).
Genome position (GRCh38, 1-based): chr17:81,934,338, C>T on the plus strand (G>A on the coding strand, the complement: PYCR1 is on the minus strand). VCF-style: chr17-81934338-C-T. GRCh37 (hg19) VCF-style: chr17-79892214-C-T.
Other names: c.692G>A, p.Cys231Tyr (NM_001282279.2); c.785G>A, p.Cys262Tyr (NM_001282280.2, NM_153824.3); c.866G>A, p.Cys289Tyr (NM_001282281.2); c.633+315G>A (NM_001330523.2); short protein forms C262Y, C289Y, C231Y.
Identifiers: ClinVar variation 426415 (VCV000426415.2), dbSNP rs759214113, ClinGen allele CA8845321.
Genomic context (GRCh38, chr17:81,934,338, plus strand): 5'-GCCATGCAAGGACTGGAGACCAGGGAAGCGGGCAGCGCGGGGGCCCACCGTGTGCGGATG[C>T]AGGAGGCCTCCACAGCGTTGATGAGCAGGGAGCGGAAGCCCCCACTCTCCAGCACATGCA-3'
Protein context (NP_008838.2, residues 252-272): SLLINAVEAS[Cys262Tyr]IRTRELQSMA